The following is an entry in ClinVar:

NM_032581.4(HYCC1):c.1132G>A (p.Gly378Arg)

Gene: HYCC1 (hyccin PI4KA lipid kinase complex subunit 1; minus strand). Cytogenetic location: 7p15.3.
Variant type: single nucleotide variant.
Coding change: c.1132G>A on transcript NM_032581.4 (MANE Select); coding-DNA position 1132, G replaced by A.
Protein change: p.Gly378Arg; replaces glycine 378 with arginine.
Molecular consequence: missense variant. On other transcripts: 3 prime UTR variant (2).
Genome position (GRCh38, 1-based): chr7:22,946,023, C>T on the plus strand (G>A on the coding strand, the complement: HYCC1 is on the minus strand). VCF-style: chr7-22946023-C-T. GRCh37 (hg19) VCF-style: chr7-22985642-C-T.
Other names: c.*168G>A (NM_001363466.2); c.*126G>A (NM_001363467.2); short protein forms G378R.
Identifiers: ClinVar variation 1951719 (VCV001951719.5), dbSNP rs373770623, ClinGen allele CA4185783.

ClinVar aggregate classification (germline): Uncertain significance (1 of 4 stars; one submission).

Conditions:
Hypomyelination and Congenital Cataract (HLD5). Also called: hypomyelinating leukodystrophy 5. Identifiers: Orphanet 85163, MedGen C1864663, MONDO:0012514, OMIM 610532.

Allele frequency attached by ClinVar (database versions not stated): gnomAD exomes 0.00001; ExAC 0.00002; ESP Exome Variant Server 0.00008; TOPMed 0.00009; gnomAD 0.00012.
gnomAD v4.1: 38 of 1,613,582 alleles (0.0024%); highest among the groups gnomAD compares: African/African-American, 0.032%; no homozygotes.

Submission:

Labcorp Genetics (formerly Invitae), Labcorp
Classification: Uncertain significance for Hypomyelination and Congenital Cataract. Last evaluated: 2022-03-14. Review status: criteria provided, single submitter. Criteria: Invitae Variant Classification Sherloc (09022015). Collection method: clinical testing. Allele origin: germline.
Comment: In summary, the available evidence is currently insufficient to determine the role of this variant in disease. Therefore, it has been classified as a Variant of Uncertain Significance. Algorithms developed to predict the effect of missense changes on protein structure and function (SIFT, PolyPhen-2, Align-GVGD) all suggest that this variant is likely to be disruptive. This variant has not been reported in the literature in individuals affected with FAM126A-related conditions. This variant is present in population databases (rs373770623, gnomAD 0.03%). This sequence change replaces glycine, which is neutral and non-polar, with arginine, which is basic and polar, at codon 378 of the FAM126A protein (p.Gly378Arg).